The following is an entry in ClinVar:

ClinVar aggregate classification (germline): Uncertain significance. Review status: criteria provided, multiple submitters, no conflicts (2 of 4 stars). 2 submissions from 2 submitters: Uncertain significance (2). Last evaluated 2025-07-02.

Conditions:
Hereditary cancer-predisposing syndrome. Also called: Neoplastic Syndromes, Hereditary; Tumor predisposition; Hereditary neoplastic syndrome; Hereditary Cancer Syndrome. Identifiers: Orphanet 140162, MedGen C0027672, MeSH D009386, MONDO:0015356.
Familial cancer of breast. Also called: BREAST CANCER, FAMILIAL; Hereditary breast cancer; hereditary breast carcinoma. Identifiers: Orphanet 227535, MedGen C0346153, MONDO:0016419, OMIM 114480. Disease mechanism: loss of function.

Allele frequency attached by ClinVar (database versions not stated): gnomAD exomes below 0.00001.
gnomAD v4.1: 2 of 1,614,146 alleles (0.00012%); highest among the groups gnomAD compares: Non-Finnish European, 0.000085%; no homozygotes.

Submissions (2):

Ambry Genetics
Classification: Uncertain significance for Hereditary cancer-predisposing syndrome. Last evaluated: 2025-07-02. Review status: criteria provided, single submitter. Criteria: Ambry Variant Classification Scheme 2023. Collection method: clinical testing. Allele origin: germline.
Comment: The p.S155P variant (also known as c.463T>C), located in coding exon 3 of the CHEK2 gene, results from a T to C substitution at nucleotide position 463. The serine at codon 155 is replaced by proline, an amino acid with similar properties. This alteration was identified in an individual diagnosed with breast cancer (Aksoy F et al. Hum Hered, 2022 Jan;:). This amino acid position is highly conserved in available vertebrate species. In addition, the in silico prediction for this alteration is inconclusive. Based on the available evidence, the clinical significance of this variant remains unclear.

Labcorp Genetics (formerly Invitae), Labcorp
Classification: Uncertain significance for Familial cancer of breast. Last evaluated: 2022-11-12. Review status: criteria provided, single submitter. Criteria: Invitae Variant Classification Sherloc (09022015). Collection method: clinical testing. Allele origin: germline.
Comment: This variant has not been reported in the literature in individuals affected with CHEK2-related conditions. This sequence change replaces serine, which is neutral and polar, with proline, which is neutral and non-polar, at codon 155 of the CHEK2 protein (p.Ser155Pro). This variant is present in population databases (no rsID available, gnomAD 0.0009%). ClinVar contains an entry for this variant (Variation ID: 825063). Algorithms developed to predict the effect of missense changes on protein structure and function are either unavailable or do not agree on the potential impact of this missense change (SIFT: "Tolerated"; PolyPhen-2: "Possibly Damaging"; Align-GVGD: "Class C0"). In summary, the available evidence is currently insufficient to determine the role of this variant in disease. Therefore, it has been classified as a Variant of Uncertain Significance.

Literature cited by the submitters: PubMed 34991090 (cited by Ambry Genetics).

NM_007194.4(CHEK2):c.463T>C (p.Ser155Pro)

Gene: CHEK2 (checkpoint kinase 2; minus strand). Cytogenetic location: 22q12.1.
Variant type: single nucleotide variant.
Coding change: c.463T>C on transcript NM_007194.4 (MANE Select); coding-DNA position 463, T replaced by C.
Protein change: p.Ser155Pro; replaces serine 155 with proline.
Molecular consequence: missense variant. On other transcripts: 5 prime UTR variant (2), intron variant (1).
Genome position (GRCh38, 1-based): chr22:28,725,106, A>G on the plus strand (T>C on the coding strand, the complement: CHEK2 is on the minus strand). VCF-style: chr22-28725106-A-G. GRCh37 (hg19) VCF-style: chr22-29121094-A-G.
Other names: c.592T>C, p.Ser198Pro (NM_001005735.3, NM_001438294.1); c.-315T>C (NM_001257387.3); c.-201T>C (NM_001437942.1); c.556T>C, p.Ser186Pro (NM_001438293.1, NM_001438295.1); c.463T>C, p.Ser155Pro (NM_145862.3); c.444+137T>C (NM_001349956.3); short protein forms S155P, S198P, S186P.
Identifiers: ClinVar variation 825063 (VCV000825063.14), dbSNP rs1175278074, ClinGen allele CA411107688.
Genomic context (GRCh38, chr22:28,725,106, plus strand): 5'-CAAGCTCTGTATTTACAAAGGTTCCATTGCCACTGTGATCTTCTATGTATGCAATGTAAG[A>G]GTTTTTAGGACCCACTTCCTAAAATAGAGAACATTTTGTTTCAGACTTTGAATAGCAGAG-3'
Protein context (NP_009125.1, residues 145-165): RIFREVGPKN[Ser155Pro]YIAYIEDHSG